The following is an entry in ClinVar:

ClinVar aggregate classification (germline): Pathogenic (1 of 4 stars; one submission).

Conditions:
Multiple endocrine neoplasia, type 1 (MEN1). Also called: MEN I; WERMER SYNDROME; Endocrine adenomatosis multiple; MEN 1; MEA I. Identifiers: Orphanet 652, MedGen C0025267, MeSH D018761, MONDO:0007540, OMIM 131100.

Submission:

Labcorp Genetics (formerly Invitae), Labcorp
Classification: Pathogenic for Multiple endocrine neoplasia, type 1. Last evaluated: 2022-03-19. Review status: criteria provided, single submitter. Criteria: Invitae Variant Classification Sherloc (09022015). Collection method: clinical testing. Allele origin: germline.
Comment: For these reasons, this variant has been classified as Pathogenic. Algorithms developed to predict the effect of sequence changes on RNA splicing suggest that this variant may disrupt the consensus splice site. This variant has not been reported in the literature in individuals affected with MEN1-related conditions. This variant is not present in population databases (gnomAD no frequency). This sequence change creates a premature translational stop signal (p.Glu288*) in the MEN1 gene. It is expected to result in an absent or disrupted protein product. Loss-of-function variants in MEN1 are known to be pathogenic (PMID: 12112656, 17853334).

Literature cited by the submitters: PubMed 12112656; PubMed 17853334.

NM_001370259.2(MEN1):c.862G>T (p.Glu288Ter)

Gene: MEN1 (menin 1; minus strand). Cytogenetic location: 11q13.1.
Variant type: single nucleotide variant.
Coding change: c.862G>T on transcript NM_001370259.2 (MANE Select); coding-DNA position 862, G replaced by T.
Protein change: p.Glu288Ter; replaces glutamic acid 288 with a stop codon.
Molecular consequence: nonsense.
Genome position (GRCh38, 1-based): chr11:64,807,061, C>A on the plus strand (G>T on the coding strand, the complement: MEN1 is on the minus strand). VCF-style: chr11-64807061-C-A. GRCh37 (hg19) VCF-style: chr11-64574533-C-A.
Other names: c.862G>T, p.Glu288Ter (NM_001407144.1, NM_001407146.1, NM_001407147.1 and 7 more transcripts); c.877G>T, p.Glu293Ter (NM_001407145.1, NM_001407150.1, NM_000244.4 and 5 more transcripts); c.757G>T, p.Glu253Ter (NM_001407148.1, NM_001407149.1, NM_001407151.1 and 2 more transcripts); short protein forms E293*, E253*, E288*.
Identifiers: ClinVar variation 2114685 (VCV002114685.4), dbSNP rs2497187851, ClinGen allele CA381183590.
Genomic context (GRCh38, chr11:64,807,061, plus strand): 5'-ATGCCCCCACCTTGTGGTAGAGGGTGAGTGGGTCTGGCCGGCCAGGGGTGGGCTCCAGCT[C>A]CTCTAGATCTGCCAGGTTCCCTAAGGCCATGGGGTACCTAGGAAAGGATCATAATTCAGG-3'